The following is an entry in ClinVar:

NM_014363.6(SACS):c.5037_5038del (p.Cys1679fs)

Gene: SACS (sacsin molecular chaperone; minus strand). Cytogenetic location: 13q12.12.
Variant type: Microsatellite.
Coding change: c.5037_5038del on transcript NM_014363.6 (MANE Select); coding-DNA positions 5037 to 5038, 2 bases deleted (TG; older notation c.5037_5038delTG).
Protein change: p.Cys1679fs; shifts the reading frame from cysteine 1679.
Molecular consequence: frameshift variant.
Genome position (GRCh38, 1-based): chr13:23,338,838-23,338,839, CA deleted on the plus strand (TG on the coding strand, the reverse complement: SACS is on the minus strand); deleting any 2 consecutive bases within chr13:23,338,838-23,338,841 gives the same sequence; the c. name uses the placement nearest the transcript's 3' end. VCF-style (leftmost placement, unchanged base first): chr13-23338837-CCA-C. GRCh37 (hg19) VCF-style: chr13-23912976-CCA-C.
Other names: c.4596_4597del, p.Cys1532fs (NM_001278055.2); short protein forms C1532fs, C1679fs.
Identifiers: ClinVar variation 1687226 (VCV001687226.2), dbSNP rs1868917066, ClinGen allele CA2078630321.

ClinVar aggregate classification (germline): Pathogenic/Likely pathogenic. Review status: criteria provided, multiple submitters, no conflicts (2 of 4 stars). 2 submissions from 2 submitters: Pathogenic (1); Likely pathogenic (1). Last evaluated 2025-11-19.

Conditions:
Charlevoix-Saguenay spastic ataxia (SACS). Also called: AUTOSOMAL RECESSIVE SPASTIC ATAXIA OF CHARLEVOIX-SAGUENAY; Spastic ataxia of Charlevoix-Saguenay; SPASTIC ATAXIA 6, AUTOSOMAL RECESSIVE. Identifiers: Orphanet 98, MedGen C1849140, MONDO:0010041, OMIM 270550.

Submissions (2):

Myriad Genetics, Inc.
Classification: Pathogenic for Charlevoix-Saguenay spastic ataxia. Last evaluated: 2025-11-19. Review status: criteria provided, single submitter. Criteria: Myriad Autosomal Dominant, Autosomal Recessive and X-Linked Classification Criteria (2023). Collection method: clinical testing. Allele origin: unknown.
Comment: NM_014363.4(SACS):c.5037_5038delTG(C1679Wfs*22) is a frameshift variant classified as pathogenic in the context of autosomal recessive spastic ataxia of Charlevoix-Saguenay. C1679Wfs*22 has not been observed in cases with relevant disease. Relevant functional assessments of this variant are not available in the literature. C1679Wfs*22 has not been observed in referenced population frequency databases. In summary, NM_014363.4(SACS):c.5037_5038delTG(C1679Wfs*22) is a frameshift variant in a gene where loss of function is a known mechanism of disease and is predicted to disrupt protein function. Please note: this variant was assessed in the context of healthy population screening.

3billion
Classification: Likely pathogenic for Charlevoix-Saguenay spastic ataxia. Last evaluated: 2022-05-22. Review status: criteria provided, single submitter. Criteria: ACMG Guidelines, 2015. Collection method: clinical testing. Allele origin: germline. Affected: yes. Observed: 1 heterozygote.
Comment: The variant is not observed in the gnomAD v2.1.1 dataset. Frameshift: predicted to result in a loss or disruption of normal protein function through protein truncation. The predicted truncated protein may be shortened by more than 10%. Multiple pathogenic variants are reported in the predicted truncated region. Therefore, this variant is classified as likely pathogenic according to the recommendation of ACMG/AMP guideline.